The following is an entry in ClinVar:

ClinVar aggregate classification (germline): Likely benign. Review status: criteria provided, multiple submitters, no conflicts (2 of 4 stars). 2 submissions from 2 submitters: Likely benign (2). Last evaluated 2026-09-01.

Allele frequency attached by ClinVar (database versions not stated): 1000 Genomes Project 30x 0.00078; 1000 Genomes Project 0.00080; ESP Exome Variant Server 0.00369; TOPMed 0.00376; gnomAD 0.00381; ExAC 0.00449; gnomAD exomes 0.00602.
gnomAD v4.1: 9,334 of 1,613,954 alleles (0.58%); highest among the groups gnomAD compares: Non-Finnish European, 0.7%; 38 homozygotes.

Submissions (2):

CeGaT Center for Human Genetics Tuebingen
Classification: Likely benign. Last evaluated: 2026-09-01. Review status: criteria provided, single submitter. Criteria: CeGaT Center For Human Genetics Tuebingen Variant Classification Criteria Version 2. Collection method: clinical testing. Allele origin: germline. Affected: yes. Observed: 4 variant alleles.
Comment: CAMSAP1: BP4, BP7, BS2

Blueprint Genetics
Classification: Likely benign. Last evaluated: 2024-11-11. Review status: criteria provided, single submitter. Criteria: ACMG Guidelines, 2015. Collection method: clinical testing. Allele origin: germline.

NM_015447.4(CAMSAP1):c.1704C>T (p.Gly568=)

Gene: CAMSAP1 (calmodulin regulated spectrin associated protein 1; minus strand). Cytogenetic location: 9q34.3.
Variant type: single nucleotide variant.
Coding change: c.1704C>T on transcript NM_015447.4 (MANE Select); coding-DNA position 1704, C replaced by T.
Protein change: p.Gly568=; no amino-acid change (glycine 568 retained).
Molecular consequence: synonymous variant.
Genome position (GRCh38, 1-based): chr9:135,822,957, G>A on the plus strand (C>T on the coding strand, the complement: CAMSAP1 is on the minus strand). VCF-style: chr9-135822957-G-A. GRCh37 (hg19) VCF-style: chr9-138714803-G-A.
Other names: c.870C>T, p.Gly290= (NM_001411031.1).
Identifiers: ClinVar variation 2659724 (VCV002659724.25), dbSNP rs149594688, ClinGen allele CA5328872.